The following is an entry in ClinVar:

ClinVar aggregate classification (germline): Likely benign. Review status: criteria provided, single submitter (1 of 4 stars). 2 submissions from 2 submitters: Likely benign (1). 1 of the submissions does not count toward it. Last evaluated 2022-02-04.

Conditions:
CERT1-related disorder. Also called: CERT1-related condition.
Inborn genetic diseases. Identifiers: MedGen C0950123, MeSH D030342.

Allele frequency attached by ClinVar (database versions not stated): ExAC 0.00009; 1000 Genomes Project 30x 0.00016; 1000 Genomes Project 0.00020; gnomAD 0.00054; TOPMed 0.00057.
gnomAD v4.1: 170 of 1,578,656 alleles (0.011%); highest among the groups gnomAD compares: African/African-American, 0.2%; 1 homozygote.

Submissions (2):

Ambry Genetics
Classification: Likely benign for Inborn genetic diseases. Last evaluated: 2022-02-04. Review status: criteria provided, single submitter. Criteria: Ambry Variant Classification Scheme 2023. Collection method: clinical testing. Allele origin: germline.

PreventionGenetics, part of Exact Sciences
Classification: Likely benign for CERT1-related condition. Last evaluated: 2023-06-05. Review status: no assertion criteria provided. Collection method: clinical testing. Allele origin: germline. Not counted in ClinVar's aggregate classification.
Comment: This variant is classified as likely benign based on ACMG/AMP sequence variant interpretation guidelines (Richards et al. 2015 PMID: 25741868, with internal and published modifications).

NM_001379029.1(CERT1):c.-75C>T

Genes: CERT1 (ceramide transporter 1; minus strand), POLK (DNA polymerase kappa; plus strand). Cytogenetic location: 5q13.3.
Variant type: single nucleotide variant.
Coding change: c.-75C>T on transcript NM_001379029.1 (MANE Select); 75 bases upstream of the start codon, C replaced by T.
Molecular consequence: 5 prime UTR variant. On other transcripts: missense variant (1).
Genome position (GRCh38, 1-based): chr5:75,511,282, G>A on the plus strand (C>T on the coding strand, the complement: CERT1 is on the minus strand). VCF-style: chr5-75511282-G-A. GRCh37 (hg19) VCF-style: chr5-74807107-G-A.
Other names: c.310C>T, p.Pro104Ser (NM_001130105.1); c.-75C>T (NM_001379002.1, NM_001379003.1, NM_001379004.1 and 2 more transcripts); short protein forms P104S.
Identifiers: ClinVar variation 521299 (VCV000521299.6), dbSNP rs143317974, ClinGen allele CA3309404.